The following is an entry in ClinVar:

NR_003051.3(RMRP):n.-9_-8insACTCTGTGAAGCTACTCTGTGAAGCT

Gene: RMRP (RNA component of mitochondrial RNA processing endoribonuclease; minus strand). Cytogenetic location: 9p13.3.
Variant type: Microsatellite.
Genome position: GRCh38 VCF-style: chr9-35658026-C-CAGCTTCACAGAGTAGCTTCACAGAGT. GRCh37 (hg19) VCF-style: chr9-35658023-C-CAGCTTCACAGAGTAGCTTCACAGAGT.
Identifiers: ClinVar variation 1067465 (VCV001067465.9), dbSNP rs751921616, ClinGen allele CA587570217.

ClinVar aggregate classification (germline): Pathogenic/Likely pathogenic. Review status: criteria provided, multiple submitters, no conflicts (2 of 4 stars). 2 submissions from 2 submitters: Pathogenic (1); Likely pathogenic (1). Last evaluated 2025-05-12.

Conditions:
Metaphyseal chondrodysplasia, McKusick type (CHH). Also called: Cartilage-Hair Hypoplasia (CHH); Cartilage-hair hypoplasia. Identifiers: Orphanet 175, MedGen C0220748, MONDO:0009595, OMIM 250250.
Anauxetic dysplasia. Identifiers: Orphanet 93347, MedGen C1846796, MONDO:0011773.

Submissions (2):

Natera, Inc.
Classification: Likely pathogenic for Cartilage-hair hypoplasia. Last evaluated: 2025-05-12. Review status: criteria provided, single submitter. Criteria: Natera Variant Classification Schema (03/2026). Collection method: clinical testing. Allele origin: germline.
Comment: The n.-9_-8insACTCTGTGAAGCTACTCTGTGAAGCT variant in RMRP is an insertion affecting the RMRP promoter region between the TATA box and the transcription initiation site. Other duplications and insertions just upstream of the transcription initiation site have been reported in individuals affected with cartilage-hair hypoplasia (PMID: 11207361, 17937437). This variant is rare in the general population with a frequency below the threshold expected for the associated phenotype(s). Given the available evidence, this variant is classified as Likely pathogenic.

Labcorp Genetics (formerly Invitae), Labcorp
Classification: Pathogenic for Anauxetic dysplasia. Last evaluated: 2025-03-31. Review status: criteria provided, single submitter. Criteria: Invitae Variant Classification Sherloc (09022015). Collection method: clinical testing. Allele origin: germline.
Comment: This variant occurs in the RMRP gene, which encodes an RNA molecule that does not result in a protein product. This variant is present in population databases (no rsID available, gnomAD 0.004%). While this particular variant has not been reported in the literature, it is located in the promoter region between the TATA box and the transcription initiation site, and other insertions and duplications immediately upstream of the coding sequence have been reported in individuals affected with cartilage-hair hypoplasia-anauxetic dysplasia (CHH-AD) spectrum disorders (PMID: 16244706, 11207361, 12107819). While functional studies for this variant have not been reported, experimental analyses using patient derived cells, as well as in vitro transfection studies, have shown that promoter insertions result in silencing of RMRP transcription and reduced expression of the gene product (PMID: 11207361, 16254002). For these reasons, this variant has been classified as Pathogenic.

Literature cited by the submitters: PubMed 11207361 (cited by Natera, Inc. and Labcorp Genetics (formerly Invitae), Labcorp); PubMed 17937437 (cited by Natera, Inc.); PubMed 16244706 (cited by Labcorp Genetics (formerly Invitae), Labcorp); PubMed 12107819 (cited by Labcorp Genetics (formerly Invitae), Labcorp); PubMed 16254002 (cited by Labcorp Genetics (formerly Invitae), Labcorp).